The following is an entry in ClinVar:

ClinVar aggregate classification (germline): Likely pathogenic. Review status: criteria provided, multiple submitters, no conflicts (2 of 4 stars). 2 submissions from 2 submitters: Likely pathogenic (2). Last evaluated 2023-03-20.

Conditions:
Polyhydramnios, megalencephaly, and symptomatic epilepsy (PMSE). Also called: PMSE SYNDROME. Identifiers: Orphanet 500533, MedGen C1970203, MONDO:0012611, OMIM 611087.

Allele frequency attached by ClinVar (database versions not stated): TOPMed below 0.00001.

Submissions (2):

GeneDx
Classification: Likely pathogenic. Last evaluated: 2023-03-20. Review status: criteria provided, single submitter. Criteria: GeneDx Variant Classification Process June 2021. Collection method: clinical testing. Allele origin: germline. Affected: yes.
Comment: Canonical splice site variant predicted to result in a null allele in a gene for which loss of function is a known mechanism of disease; Not observed at significant frequency in large population cohorts (gnomAD); Reported in the heterozygous state in an individual with childhood epilepsy; however additional clinical details were not provided (Truty et al., 2019); This variant is associated with the following publications: (PMID: 31440721)

Labcorp Genetics (formerly Invitae), Labcorp
Classification: Likely pathogenic for Polyhydramnios, megalencephaly, and symptomatic epilepsy. Last evaluated: 2022-12-02. Review status: criteria provided, single submitter. Criteria: Invitae Variant Classification Sherloc (09022015). Collection method: clinical testing. Allele origin: germline.
Comment: ClinVar contains an entry for this variant (Variation ID: 663375). This variant has not been reported in the literature in individuals affected with STRADA-related conditions. This variant is not present in population databases (gnomAD no frequency). This sequence change affects an acceptor splice site in intron 2 of the STRADA gene. It is expected to disrupt RNA splicing. Variants that disrupt the donor or acceptor splice site typically lead to a loss of protein function (PMID: 16199547), and loss-of-function variants in STRADA are known to be pathogenic (PMID: 17522105, 27170158). Algorithms developed to predict the effect of sequence changes on RNA splicing suggest that this variant may disrupt the consensus splice site. In summary, the currently available evidence indicates that the variant is pathogenic, but additional data are needed to prove that conclusively. Therefore, this variant has been classified as Likely Pathogenic.

Literature cited by the submitters: PubMed 16199547 (cited by Labcorp Genetics (formerly Invitae), Labcorp); PubMed 17522105 (cited by Labcorp Genetics (formerly Invitae), Labcorp); PubMed 27170158 (cited by Labcorp Genetics (formerly Invitae), Labcorp).

NM_001003787.4(STRADA):c.37-1G>C

Gene: STRADA (STE20 related adaptor alpha; minus strand). Cytogenetic location: 17q23.3.
Variant type: single nucleotide variant.
Coding change: c.37-1G>C on transcript NM_001003787.4 (MANE Select); the canonical splice acceptor site of the intron before coding-DNA position 37, G replaced by C.
Molecular consequence: splice acceptor variant. On other transcripts: intron variant (6).
Genome position (GRCh38, 1-based): chr17:63,726,696, C>G on the plus strand (G>C on the coding strand, the complement: STRADA is on the minus strand). VCF-style: chr17-63726696-C-G. GRCh37 (hg19) VCF-style: chr17-61804056-C-G.
Other names: c.12+1662G>C (NM_001363789.1, NM_001003786.3, NM_153335.6); c.-109-1G>C (NM_001363790.1, NM_001363791.1, NM_001003788.3); c.13-1G>C (NM_001363786.1); c.36+1638G>C (NM_001165969.2, NM_001363787.1, NM_001411084.1); c.37-1G>C (NM_001165970.2, NM_001411085.1, NM_001363788.1 and 1 more transcripts).
Identifiers: ClinVar variation 663375 (VCV000663375.8), dbSNP rs1230074670, ClinGen allele CA400595850.
Genomic context (GRCh38, chr17:63,726,696, plus strand): 5'-ACCTCCAAATAGTTCCAAATCTCTTAAGCCCTCAACAATGAACTTTTCCGAGACCCACCG[C>G]TAAAGAGGAAAACCCCAAAGAGAATTAGTATTTCTTCCAAGCCGCAACAAATTAGCTATC-3'